The following is an entry in ClinVar:

ClinVar aggregate classification (germline): Uncertain significance (1 of 4 stars; one submission).

Conditions:
Periodic fever-infantile enterocolitis-autoinflammatory syndrome. Also called: Autoinflammation with infantile enterocolitis. Identifiers: Orphanet 436166, MedGen C4015067, MONDO:0014472, OMIM 616050.
Familial cold autoinflammatory syndrome 4 (FCAS4). Identifiers: Orphanet 47045, Orphanet 576349, MedGen C4015276, MONDO:0014498, OMIM 616115.

Submission:

Labcorp Genetics (formerly Invitae), Labcorp
Classification: Uncertain significance for Periodic fever-infantile enterocolitis-autoinflammatory syndrome; Familial cold autoinflammatory syndrome 4. Last evaluated: 2022-03-19. Review status: criteria provided, single submitter. Criteria: Invitae Variant Classification Sherloc (09022015). Collection method: clinical testing. Allele origin: germline.
Comment: This sequence change replaces threonine, which is neutral and polar, with alanine, which is neutral and non-polar, at codon 486 of the NLRC4 protein (p.Thr486Ala). This variant is not present in population databases (gnomAD no frequency). This variant has not been reported in the literature in individuals affected with NLRC4-related conditions. Algorithms developed to predict the effect of missense changes on protein structure and function (SIFT, PolyPhen-2, Align-GVGD) all suggest that this variant is likely to be tolerated. In summary, the available evidence is currently insufficient to determine the role of this variant in disease. Therefore, it has been classified as a Variant of Uncertain Significance.

NM_001199138.2(NLRC4):c.1456A>G (p.Thr486Ala)

Gene: NLRC4 (NLR family CARD domain containing 4; minus strand). Cytogenetic location: 2p22.3.
Variant type: single nucleotide variant.
Coding change: c.1456A>G on transcript NM_001199138.2 (MANE Select); coding-DNA position 1456, A replaced by G.
Protein change: p.Thr486Ala; replaces threonine 486 with alanine.
Molecular consequence: missense variant. On other transcripts: intron variant (1).
Genome position (GRCh38, 1-based): chr2:32,250,408, T>C on the plus strand (A>G on the coding strand, the complement: NLRC4 is on the minus strand). VCF-style: chr2-32250408-T-C. GRCh37 (hg19) VCF-style: chr2-32475477-T-C.
Other names: c.1456A>G, p.Thr486Ala (NM_001199139.2, NM_021209.5); c.262+2011A>G (NM_001302504.1); short protein forms T486A.
Identifiers: ClinVar variation 1524980 (VCV001524980.8), dbSNP rs2148942244, ClinGen allele CA346512420.